The following is an entry in ClinVar:

NM_014989.7(RIMS1):c.2326C>T (p.Arg776Cys)

Gene: RIMS1 (regulating synaptic membrane exocytosis 1; plus strand). Cytogenetic location: 6q13.
Variant type: single nucleotide variant.
Coding change: c.2326C>T on transcript NM_014989.7 (MANE Select); coding-DNA position 2326, C replaced by T.
Protein change: p.Arg776Cys; replaces arginine 776 with cysteine.
Molecular consequence: missense variant.
Genome position (GRCh38, 1-based): chr6:72,250,414, C>T. VCF-style: chr6-72250414-C-T. GRCh37 (hg19) VCF-style: chr6-72960117-C-T.
Other names: c.748C>T, p.Arg250Cys (NM_001168407.2, NM_001168408.2, NM_001350414.2 and 37 more transcripts); c.505C>T, p.Arg169Cys (NM_001168409.2, NM_001350461.2, NM_001350463.2 and 6 more transcripts); c.703C>T, p.Arg235Cys (NM_001168410.2, NM_001350470.2, NM_001350472.2 and 2 more transcripts); c.679C>T, p.Arg227Cys (NM_001350421.2, NM_001350424.2, NM_001350428.2 and 6 more transcripts); short protein forms R169C, R227C, R235C, R250C, R776C.
Identifiers: ClinVar variation 1005346 (VCV001005346.8), dbSNP rs749913369, ClinGen allele CA3885948.

ClinVar aggregate classification (germline): Uncertain significance (1 of 4 stars; one submission).

Allele frequency attached by ClinVar (database versions not stated): gnomAD 0.00002; TOPMed 0.00002; gnomAD exomes 0.00005; ExAC 0.00007.
gnomAD v4.1: 68 of 1,604,486 alleles (0.0042%); highest among the groups gnomAD compares: Non-Finnish European, 0.0053%; no homozygotes.

Submission:

Labcorp Genetics (formerly Invitae), Labcorp
Classification: Uncertain significance. Last evaluated: 2023-08-27. Review status: criteria provided, single submitter. Criteria: Invitae Variant Classification Sherloc (09022015). Collection method: clinical testing. Allele origin: germline.
Comment: This sequence change replaces arginine, which is basic and polar, with cysteine, which is neutral and slightly polar, at codon 776 of the RIMS1 protein (p.Arg776Cys). ClinVar contains an entry for this variant (Variation ID: 1005346). This variant has not been reported in the literature in individuals affected with RIMS1-related conditions. This variant is present in population databases (rs749913369, gnomAD 0.009%). In summary, the available evidence is currently insufficient to determine the role of this variant in disease. Therefore, it has been classified as a Variant of Uncertain Significance. An algorithm developed to predict the effect of missense changes on protein structure and function (PolyPhen-2) suggests that this variant is likely to be disruptive.